The following is an entry in ClinVar:

NM_001127222.2(CACNA1A):c.6049C>A (p.Leu2017Met)

Gene: CACNA1A (calcium voltage-gated channel subunit alpha1 A; minus strand). Cytogenetic location: 19p13.13.
Variant type: single nucleotide variant.
Coding change: c.6049C>A on transcript NM_001127222.2 (MANE Select); coding-DNA position 6049, C replaced by A.
Protein change: p.Leu2017Met; replaces leucine 2017 with methionine.
Molecular consequence: missense variant.
Genome position (GRCh38, 1-based): chr19:13,212,632, G>T on the plus strand (C>A on the coding strand, the complement: CACNA1A is on the minus strand). VCF-style: chr19-13212632-G-T. GRCh37 (hg19) VCF-style: chr19-13323446-G-T.
Other names: c.6067C>A, p.Leu2023Met (NM_000068.4, NM_023035.3); c.6052C>A, p.Leu2018Met (NM_001127221.2); c.6058C>A, p.Leu2020Met (NM_001174080.2); short protein forms L2018M, L2020M, L2023M, L2017M.
Identifiers: ClinVar variation 5009333 (VCV005009333.1).

ClinVar aggregate classification (germline): Uncertain significance (1 of 4 stars; one submission).

Submission:

GeneDx
Classification: Uncertain significance. Last evaluated: 2026-03-21. Review status: criteria provided, single submitter. Criteria: GeneDx Variant Classification Process June 2021. Collection method: clinical testing. Allele origin: germline.
Comment: Not observed at significant frequency in large population cohorts (gnomAD); In silico analysis suggests that this missense variant does not alter protein structure/function; Has not been previously published as pathogenic or benign to our knowledge